The following is an entry in ClinVar:

NM_001195553.2(DCX):c.171_182del (p.Phe57_Gly61delinsLeu)

Gene: DCX (doublecortin; minus strand). Cytogenetic location: Xq23.
Variant type: Deletion.
Coding change: c.171_182del on transcript NM_001195553.2 (MANE Select); coding-DNA positions 171 to 182, 12 bases deleted (CTACCGCAATGG).
Protein change: p.Phe57_Gly61delinsLeu.
Molecular consequence: inframe indel.
Genome position (GRCh38, 1-based): chrX:111,410,217-111,410,228, CCATTGCGGTAG deleted on the plus strand (CTACCGCAATGG on the coding strand, the reverse complement: DCX is on the minus strand). VCF-style (leftmost placement, unchanged base first): chrX-111410216-CCCATTGCGGTAG-C. GRCh37 (hg19) VCF-style: chrX-110653444-CCCATTGCGGTAG-C.
Other names: c.414_425del, p.Phe138_Gly142delinsLeu (NM_000555.3); c.171_182del, p.Phe57_Gly61delinsLeu (NM_001369370.1, NM_001369371.1, NM_001369372.1 and 5 more transcripts); c.171_182delCTACCGCAATGG, p.Phe57_Gly61delinsLeu (NM_001410715.1).
Identifiers: ClinVar variation 1804148 (VCV001804148.3), dbSNP rs2524859237, ClinGen allele CA2580100215.
Genomic context (GRCh38, chrX:111,410,216, plus strand): 5'-GTCAAAGCTGCGAAAACGGTCAGAGGACACAGCGTACACAATCCCCTTGAAGTAGCGGTC[CCCATTGCGGTAG>C]AAACGTACCTTCTTGGCTTTCTTCTCATTACTCAGTGCCTGCAAGGTTCTGGTTCGGTAG-3'

ClinVar aggregate classification (germline): Likely pathogenic (1 of 4 stars; one submission).

Conditions:
Lissencephaly type 1 due to doublecortin gene mutation. Also called: LISSENCEPHALY, X-LINKED, 1; LISSENCEPHALY AND AGENESIS OF CORPUS CALLOSUM. Identifiers: Orphanet 2148, MedGen C4551968, MONDO:0010239, OMIM 300067.

Submission:

Institute of Human Genetics, University of Leipzig Medical Center
Classification: Likely pathogenic for Lissencephaly type 1 due to doublecortin gene mutation. Last evaluated: 2022-11-14. Review status: criteria provided, single submitter. Criteria: ACMG Guidelines, 2015. Collection method: clinical testing. Allele origin: unknown. Inheritance: X-linked dominant inheritance. Affected: yes.
Comment: Criteria applied: PM4,PP4_MOD,PM2_SUP,PP3